The following is an entry in ClinVar:

ClinVar aggregate classification (germline): Benign. Review status: criteria provided, multiple submitters, no conflicts (2 of 4 stars). 4 submissions from 3 submitters: Benign (4). Last evaluated 2018-08-09.

Conditions:
Short-rib thoracic dysplasia 7 with or without polydactyly (SRTD7). Also called: Short rib polydactyly syndrome 5; SHORT-RIB THORACIC DYSPLASIA 7 WITH POLYDACTYLY. Identifiers: Orphanet 498497, Orphanet 93271, MedGen C3279792, MONDO:0013569, OMIM 614091.
Cranioectodermal dysplasia 2 (CED2). Identifiers: Orphanet 1515, MedGen C3150874, MONDO:0013323, OMIM 613610.

Allele frequency attached by ClinVar (database versions not stated): 1000 Genomes Project 0.22863; 1000 Genomes Project 30x 0.22923; gnomAD exomes 0.25139; gnomAD 0.25317 and 0.25618; TOPMed 0.25344.
gnomAD v4.1: 113,521 of 450,740 alleles (25%); highest among the groups gnomAD compares: East Asian, 27%; 14,799 homozygotes.

Submissions (4):

GeneDx
Classification: Benign. Last evaluated: 2018-08-09. Review status: criteria provided, single submitter. Criteria: GeneDx Variant Classification Process June 2021. Collection method: clinical testing. Allele origin: germline. Affected: yes.

Illumina Laboratory Services, Illumina
Classification: Benign for Short-rib thoracic dysplasia 7 with or without polydactyly. Last evaluated: 2018-01-13. Review status: criteria provided, single submitter. Criteria: ICSL Variant Classification Criteria 13 December 2019. Collection method: clinical testing. Allele origin: germline.
Comment: This variant was observed in the ICSL laboratory as part of a predisposition screen in an ostensibly healthy population. It had not been previously curated by ICSL or reported in the Human Gene Mutation Database (HGMD: prior to June 1st, 2018), and was therefore a candidate for classification through an automated scoring system. Utilizing variant allele frequency, disease prevalence and penetrance estimates, and inheritance mode, an automated score was calculated to assess if this variant is too frequent to cause the disease. Based on the score and internal cut-off values, a variant classified as benign is not then subjected to further curation. The score for this variant resulted in a classification of benign for this disease.

Illumina Laboratory Services, Illumina
Classification: Benign for Cranioectodermal dysplasia 2. Last evaluated: 2018-01-13. Review status: criteria provided, single submitter. Criteria: ICSL Variant Classification Criteria 13 December 2019. Collection method: clinical testing. Allele origin: germline.
Comment: the same text as in the submission from Illumina Laboratory Services, Illumina above.

Breakthrough Genomics
Classification: Benign. Review status: criteria provided, single submitter. Criteria: ACMG Guidelines, 2015. Collection method: not provided. Allele origin: germline. Inheritance: Autosomal recessive inheritance. Affected: yes.

NM_020779.4(WDR35):c.*231C>A

Gene: WDR35 (WD repeat domain 35; minus strand). Cytogenetic location: 2p24.1.
Variant type: single nucleotide variant.
Coding change: c.*231C>A on transcript NM_020779.4 (MANE Select); 231 bases downstream of the stop codon, C replaced by A.
Molecular consequence: 3 prime UTR variant.
Genome position (GRCh38, 1-based): chr2:19,913,327, G>T on the plus strand (C>A on the coding strand, the complement: WDR35 is on the minus strand). VCF-style: chr2-19913327-G-T. GRCh37 (hg19) VCF-style: chr2-20113088-G-T.
Other names: c.*231C>A (NM_001006657.2).
Identifiers: ClinVar variation 333367 (VCV000333367.7), dbSNP rs1056233, ClinGen allele CA10611914.